The following is an entry in ClinVar:

ClinVar aggregate classification (germline): Conflicting classifications of pathogenicity. Review status: criteria provided, conflicting classifications (1 of 4 stars). 3 submissions from 3 submitters: Uncertain significance (1); Likely benign (2). Last evaluated 2025-07-29.

Conditions:
Early-infantile DEE. Also called: Early infantile epileptic encephalopathy with suppression bursts; Early infantile epileptic encephalopathy; Ohtahara syndrome. Identifiers: Orphanet 1934, MedGen C0393706, MONDO:0800491.

Allele frequency attached by ClinVar (database versions not stated): gnomAD 0.00001; TOPMed 0.00001; gnomAD exomes 0.00004 and 0.00005; ExAC 0.00009.
gnomAD v4.1: 54 of 1,607,228 alleles (0.0034%); highest among the groups gnomAD compares: Non-Finnish European, 0.0046%; no homozygotes.

Submissions (3):

Labcorp Genetics (formerly Invitae), Labcorp
Classification: Likely benign for Early-infantile DEE. Last evaluated: 2025-07-29. Review status: criteria provided, single submitter. Criteria: Invitae Variant Classification Sherloc (09022015). Collection method: clinical testing. Allele origin: germline.

Blueprint Genetics
Classification: Likely benign. Last evaluated: 2024-11-14. Review status: criteria provided, single submitter. Criteria: ACMG Guidelines, 2015. Collection method: clinical testing. Allele origin: germline.

GeneDx
Classification: Uncertain significance. Last evaluated: 2019-11-04. Review status: criteria provided, single submitter. Criteria: GeneDx Variant Classification Process June 2021. Collection method: clinical testing. Allele origin: germline. Affected: yes.
Comment: Has not been previously published as pathogenic or benign to our knowledge; In-silico analysis, which includes splice predictors and evolutionary conservation, is inconclusive as to whether the variant alters gene splicing. In the absence of RNA/functional studies, the actual effect of this sequence change is unknown.

NM_172107.4(KCNQ2):c.1368G>A (p.Gly456=)

Gene: KCNQ2 (potassium voltage-gated channel subfamily Q member 2; minus strand). Cytogenetic location: 20q13.33.
Variant type: single nucleotide variant.
Coding change: c.1368G>A on transcript NM_172107.4 (MANE Select); coding-DNA position 1368, G replaced by A.
Protein change: p.Gly456=; no amino-acid change (glycine 456 retained).
Molecular consequence: synonymous variant.
Genome position (GRCh38, 1-based): chr20:63,415,060, C>T on the plus strand (G>A on the coding strand, the complement: KCNQ2 is on the minus strand). VCF-style: chr20-63415060-C-T. GRCh37 (hg19) VCF-style: chr20-62046413-C-T.
Other names: c.1314G>A, p.Gly438= (NM_001382235.1, NM_172106.3); c.1284G>A, p.Gly428= (NM_004518.6); c.1278G>A, p.Gly426= (NM_172108.5).
Identifiers: ClinVar variation 1078866 (VCV001078866.12), dbSNP rs748785128, ClinGen allele CA9958464.
Genomic context (GRCh38, chr20:63,415,060, plus strand): 5'-GCTGTCCTCGAGGCTCTGGTCGGCGCTGGGTGACCGCCTCACAGTCTGGGCCTGCGGGGA[C>T]CCCTTCCCCTTGGCAGCCACGCCTCGGGGGCTGGAGAAGACACGATCTTTCAAACTGACC-3'
Protein context (NP_742105.1, residues 446-466): SPRGVAAKGK[Gly456=]SPQAQTVRRS